The following is an entry in ClinVar:

ClinVar aggregate classification (germline): Uncertain significance (1 of 4 stars; one submission).

Conditions:
Chromosome 8, monosomy 8p2. Identifiers: MedGen C2931636, MeSH C537826.

Submission:

Department of Genetic and Genomic Medicine, National Cheng Kung University Hospital
Classification: Uncertain significance for Chromosome 8, monosomy 8p2. Last evaluated: 2026-04-28. Review status: criteria provided, single submitter. Criteria: ACMG/ClinGen CNV Guidelines, 2019. Collection method: clinical testing. Allele origin: de novo. Affected: yes.
Comment: This copy-number loss was classified according to the ACMG/ClinGen technical standards for constitutional copy-number loss interpretation. The deletion includes 7 protein-coding RefSeq genes (C8orf48, DLC1, LONRF1, MSR1, SGCZ, TRMT9B, and TUSC3) and does not fully encompass an established haploinsufficient gene or established haploinsufficient genomic region. Published overlapping 8p22 deletions provide only limited supportive evidence because many reported cases also include 8p23.1 deletions, confounding phenotype attribution to the 8p22 segment alone. The deletion was therefore classified as a variant of uncertain significance. This deletion occurred as part of a single de novo deletion-inversion-deletion rearrangement that also included a pathogenic 8p23.1 microdeletion and an intervening copy-neutral inversion; this rearrangement context was noted but was not used as independent evidence to upgrade the classification of the 8p22 deletion.

Literature cited by the submitters: PubMed 24735523.

NC_000008.11:g.12477756_16798965del

Genes: C8orf48 (chromosome 8 open reading frame 48; plus strand), DLC1 (DLC1 Rho GTPase activating protein; minus strand), FAM86B2-DT (FAM86B2 divergent transcript; plus strand), LINC00681 (long independently transcribed non-coding RNA 681; plus strand), LINC03019 (long independently transcribed non-coding RNA 3019; minus strand) and 56 more. Cytogenetic location: 8p23.1-22.
Variant type: Deletion.
Identifiers: ClinVar variation 4849572 (VCV004849572.1).